The following is an entry in ClinVar:

ClinVar aggregate classification (germline): Uncertain significance. Review status: criteria provided, multiple submitters, no conflicts (2 of 4 stars). 2 submissions from 2 submitters: Uncertain significance (2). Last evaluated 2024-09-18.

Conditions:
ACE-related disorder. Also called: ACE-related condition; ACE-related disorders.

gnomAD v4.1: 10 of 1,614,094 alleles (0.00062%); highest among the groups gnomAD compares: East Asian, 0.018%; no homozygotes.

Submissions (2):

GeneDx
Classification: Uncertain significance. Last evaluated: 2024-09-18. Review status: criteria provided, single submitter. Criteria: GeneDx Variant Classification Process June 2021. Collection method: clinical testing. Allele origin: germline. Affected: yes.
Comment: In silico analysis supports that this missense variant has a deleterious effect on protein structure/function; Has not been previously published as pathogenic or benign to our knowledge

Daryl Scott Lab, Baylor College of Medicine
Classification: Uncertain significance for ACE-related disorder. Last evaluated: 2024-01-01. Review status: criteria provided, single submitter. Criteria: ACMG Guidelines, 2015. Collection method: clinical testing. Allele origin: maternal. Observed: 1 heterozygote.
Comment: PM2, PP3

NM_000789.4(ACE):c.3070C>T (p.Leu1024Phe)

Gene: ACE (angiotensin I converting enzyme; plus strand). Cytogenetic location: 17q23.3.
Variant type: single nucleotide variant.
Coding change: c.3070C>T on transcript NM_000789.4 (MANE Select); coding-DNA position 3070, C replaced by T.
Protein change: p.Leu1024Phe; replaces leucine 1024 with phenylalanine.
Molecular consequence: missense variant. On other transcripts: non-coding transcript variant (1).
Genome position (GRCh38, 1-based): chr17:63,493,593, C>T. VCF-style: chr17-63493593-C-T. GRCh37 (hg19) VCF-style: chr17-61570954-C-T.
Other names: c.1348C>T, p.Leu450Phe (NM_001178057.2, NM_152830.3); c.2503C>T, p.Leu835Phe (NM_001382700.1); c.2218C>T, p.Leu740Phe (NM_001382701.1); c.808C>T, p.Leu270Phe (NM_001382702.1); c.3070C>T (NM_000789.3); short protein forms L1024F, L270F, L450F, L740F, L835F.
Identifiers: ClinVar variation 3764603 (VCV003764603.2).